The following is an entry in ClinVar:

ClinVar aggregate classification (germline): Likely pathogenic (0 of 4 stars; one submission).

Conditions:
SBF1-related disorder. Also called: SBF1-related condition.

Submission:

PreventionGenetics, part of Exact Sciences
Classification: Likely pathogenic for SBF1-related condition. Last evaluated: 2024-04-25. Review status: no assertion criteria provided. Collection method: clinical testing. Allele origin: germline.
Comment: The SBF1 c.3827-2A>G variant is predicted to disrupt the AG splice acceptor site and interfere with normal splicing. To our knowledge, this variant has not been reported in the literature or in a large population database, indicating this variant is rare. Variants that disrupt the consensus splice acceptor site in SBF1 are expected to be pathogenic. This variant is interpreted as likely pathogenic.

NM_002972.4(SBF1):c.3827-2A>G

Gene: SBF1 (SET binding factor 1; minus strand). Cytogenetic location: 22q13.33.
Variant type: single nucleotide variant.
Coding change: c.3827-2A>G on transcript NM_002972.4 (MANE Select); the canonical splice acceptor site of the intron before coding-DNA position 3827, A replaced by G.
Molecular consequence: splice acceptor variant. On other transcripts: intron variant (2).
Genome position (GRCh38, 1-based): chr22:50,457,113, T>C on the plus strand (A>G on the coding strand, the complement: SBF1 is on the minus strand). VCF-style: chr22-50457113-T-C. GRCh37 (hg19) VCF-style: chr22-50895542-T-C.
Other names: c.3827-440A>G (NM_001410795.1); c.3830-440A>G (NM_001365819.1); c.3830-2A>G (NM_001410794.1).
Identifiers: ClinVar variation 3344237 (VCV003344237.1).
Genomic context (GRCh38, chr22:50,457,113, plus strand): 5'-GGAGGCCGAGGCCGCCATGGGGTTGGACAGCGTGGTGACCCTGGCTCTGGGGCTGGGAAC[T>C]GAGGGCACAGCAGAGAGAAGGCTCAGGCCTAGCCCCAGGCCTGGGCGTGCCCAGCTTGGG-3'